The following is an entry in ClinVar:

ClinVar aggregate classification (germline): Likely benign (0 of 4 stars; one submission).

Conditions:
TRPC5-related disorder. Also called: TRPC5-related condition.

gnomAD v4.1: 3 of 1,212,055 alleles (0.00025%); highest among the groups gnomAD compares: Non-Finnish European, 0.00033%; no homozygotes.

Submission:

PreventionGenetics, part of Exact Sciences
Classification: Likely benign for TRPC5-related condition. Last evaluated: 2021-09-17. Review status: no assertion criteria provided. Collection method: clinical testing. Allele origin: germline.
Comment: This variant is classified as likely benign based on ACMG/AMP sequence variant interpretation guidelines (Richards et al. 2015 PMID: 25741868, with internal and published modifications).

NM_012471.3(TRPC5):c.2673A>G (p.Ala891=)

Gene: TRPC5 (transient receptor potential cation channel subfamily C member 5; minus strand). Cytogenetic location: Xq23.
Variant type: single nucleotide variant.
Coding change: c.2673A>G on transcript NM_012471.3 (MANE Select); coding-DNA position 2673, A replaced by G.
Protein change: p.Ala891=; no amino-acid change (alanine 891 retained).
Molecular consequence: synonymous variant.
Genome position (GRCh38, 1-based): chrX:111,776,562, T>C on the plus strand (A>G on the coding strand, the complement: TRPC5 is on the minus strand). VCF-style: chrX-111776562-T-C. GRCh37 (hg19) VCF-style: chrX-111019790-T-C.
Identifiers: ClinVar variation 3354738 (VCV003354738.1).
Genomic context (GRCh38, chrX:111,776,562, plus strand): 5'-GCCCTGGACTTCACCTAATTCTACCTCACTGAGGTTAATTTCACTTTGAGAACAGGCCTC[T>C]GCTTTCCCTTTCTCCATCTGAGAATATCTGATGTCCTGCCACATACAGTGCTGCTGAACA-3'
Protein context (NP_036603.1, residues 881-901): IRYSQMEKGK[Ala891=]EACSQSEINL